The following is an entry in ClinVar:

NM_139215.3(TAF15):c.1278_1304del (p.Tyr427_Gly435del)

Gene: TAF15 (TATA-box binding protein associated factor 15; plus strand). Cytogenetic location: 17q12.
Variant type: Deletion.
Coding change: c.1278_1304del on transcript NM_139215.3 (MANE Select); coding-DNA positions 1278 to 1304, 27 bases deleted (CTATGGTGGAGACAGAAGCAGCGGTGG).
Protein change: p.Tyr427_Gly435del.
Genome position (GRCh38, 1-based): chr17:35,844,577-35,844,603, CTATGGTGGAGACAGAAGCAGCGGTGG deleted; deleting any 27 consecutive bases within chr17:35,844,572-35,844,603 gives the same sequence; the c. name uses the placement nearest the transcript's 3' end. VCF-style (leftmost placement, unchanged base first): chr17-35844571-GGGTGGCTATGGTGGAGACAGAAGCAGC-G. GRCh37 (hg19) VCF-style: chr17-34171575-GGGTGGCTATGGTGGAGACAGAAGCAGC-G.
Other names: c.1269_1295del, p.Tyr424_Gly432del (NM_003487.4).
Identifiers: ClinVar variation 3032147 (VCV003032147.2), dbSNP rs749994672, ClinGen allele CA290041201.

ClinVar aggregate classification (germline): Likely benign (0 of 4 stars; one submission).

Conditions:
TAF15-related disorder. Also called: TAF15-related condition.

Submission:

PreventionGenetics, part of Exact Sciences
Classification: Likely benign for TAF15-related condition. Last evaluated: 2023-07-05. Review status: no assertion criteria provided. Collection method: clinical testing. Allele origin: germline.
Comment: This variant is classified as likely benign based on ACMG/AMP sequence variant interpretation guidelines (Richards et al. 2015 PMID: 25741868, with internal and published modifications).